The following is an entry in ClinVar:

NM_005535.3(IL12RB1):c.442G>A (p.Val148Met)

Gene: IL12RB1 (interleukin 12 receptor subunit beta 1; minus strand). Cytogenetic location: 19p13.11.
Variant type: single nucleotide variant.
Coding change: c.442G>A on transcript NM_005535.3 (MANE Select); coding-DNA position 442, G replaced by A.
Protein change: p.Val148Met; replaces valine 148 with methionine.
Molecular consequence: missense variant.
Genome position (GRCh38, 1-based): chr19:18,077,623, C>T on the plus strand (G>A on the coding strand, the complement: IL12RB1 is on the minus strand). VCF-style: chr19-18077623-C-T. GRCh37 (hg19) VCF-style: chr19-18188433-C-T.
Other names: c.442G>A, p.Val148Met (NM_001290023.2, NM_153701.3); c.562G>A, p.Val188Met (NM_001290024.2); short protein forms V148M, V188M.
Identifiers: ClinVar variation 1420621 (VCV001420621.7), dbSNP rs766767626, ClinGen allele CA9305209.

ClinVar aggregate classification (germline): Uncertain significance. Review status: criteria provided, multiple submitters, no conflicts (2 of 4 stars). 2 submissions from 2 submitters: Uncertain significance (2). Last evaluated 2025-08-06.

Conditions:
Mendelian susceptibility to mycobacterial diseases due to complete IL12RB1 deficiency. Also called: IL12RB1 DEFICIENCY; Immunodeficiency 30. Identifiers: Orphanet 319552, MedGen C4013949, MONDO:0013955, OMIM 614891.
Inborn genetic diseases. Identifiers: MedGen C0950123, MeSH D030342.

Allele frequency attached by ClinVar (database versions not stated): ExAC 0.00002; gnomAD 0.00001; TOPMed 0.00001.
gnomAD v4.1: 23 of 1,594,412 alleles (0.0014%); highest among the groups gnomAD compares: Non-Finnish European, 0.002%; no homozygotes.

Submissions (2):

Ambry Genetics
Classification: Uncertain significance for Inborn genetic diseases. Last evaluated: 2025-08-06. Review status: criteria provided, single submitter. Criteria: Ambry Variant Classification Scheme 2023. Collection method: clinical testing. Allele origin: germline.

Labcorp Genetics (formerly Invitae), Labcorp
Classification: Uncertain significance for Mendelian susceptibility to mycobacterial diseases due to complete IL12RB1 deficiency. Last evaluated: 2021-09-08. Review status: criteria provided, single submitter. Criteria: Invitae Variant Classification Sherloc (09022015). Collection method: clinical testing. Allele origin: germline.
Comment: This sequence change replaces valine with methionine at codon 148 of the IL12RB1 protein (p.Val148Met). The valine residue is highly conserved and there is a small physicochemical difference between valine and methionine. This variant is present in population databases (rs766767626, ExAC 0.003%). This variant has not been reported in the literature in individuals affected with IL12RB1-related conditions. Algorithms developed to predict the effect of missense changes on protein structure and function are either unavailable or do not agree on the potential impact of this missense change (SIFT: "Tolerated"; PolyPhen-2: "Possibly Damaging"; Align-GVGD: "Class C0"). In summary, the available evidence is currently insufficient to determine the role of this variant in disease. Therefore, it has been classified as a Variant of Uncertain Significance.